The following is an entry in ClinVar:

NM_015559.3(SETBP1):c.2416C>T (p.Pro806Ser)

Gene: SETBP1 (SET binding protein 1; plus strand). Cytogenetic location: 18q12.3.
Variant type: single nucleotide variant.
Coding change: c.2416C>T on transcript NM_015559.3 (MANE Select); coding-DNA position 2416, C replaced by T.
Protein change: p.Pro806Ser; replaces proline 806 with serine.
Molecular consequence: missense variant.
Genome position (GRCh38, 1-based): chr18:44,951,756, C>T. VCF-style: chr18-44951756-C-T. GRCh37 (hg19) VCF-style: chr18-42531721-C-T.
Other names: c.2416C>T, p.Pro806Ser (NM_001379141.1, NM_001379142.1, NM_001410862.1); short protein forms P806S.
Identifiers: ClinVar variation 3717275 (VCV003717275.2).

ClinVar aggregate classification (germline): Uncertain significance (1 of 4 stars; one submission).

Submission:

Labcorp Genetics (formerly Invitae), Labcorp
Classification: Uncertain significance. Last evaluated: 2024-09-21. Review status: criteria provided, single submitter. Criteria: Invitae Variant Classification Sherloc (09022015). Collection method: clinical testing. Allele origin: germline.
Comment: This sequence change replaces proline, which is neutral and non-polar, with serine, which is neutral and polar, at codon 806 of the SETBP1 protein (p.Pro806Ser). This variant is present in population databases (no rsID available, gnomAD 0.003%). This variant has not been reported in the literature in individuals affected with SETBP1-related conditions. Invitae Evidence Modeling of protein sequence and biophysical properties (such as structural, functional, and spatial information, amino acid conservation, physicochemical variation, residue mobility, and thermodynamic stability) indicates that this missense variant is not expected to disrupt SETBP1 protein function with a negative predictive value of 80%. In summary, the available evidence is currently insufficient to determine the role of this variant in disease. Therefore, it has been classified as a Variant of Uncertain Significance.